The following is an entry in ClinVar:

NM_004100.5(EYA4):c.1739-42C>A

Genes: EYA4 (EYA transcriptional coactivator and phosphatase 4; plus strand), TARID (TCF21 antisense RNA inducing promoter demethylation; minus strand). Cytogenetic location: 6q23.2.
Variant type: single nucleotide variant.
Coding change: c.1739-42C>A on transcript NM_004100.5 (MANE Select); 42 bases into the intron before coding-DNA position 1739, C replaced by A.
Molecular consequence: intron variant. On other transcripts: missense variant (3).
Genome position (GRCh38, 1-based): chr6:133,525,112, C>A. VCF-style: chr6-133525112-C-A. GRCh37 (hg19) VCF-style: chr6-133846250-C-A.
Other names: c.1674C>A, p.Asn558Lys (NM_001301012.2); c.1767C>A, p.Asn589Lys (NM_001370458.1); c.1836C>A, p.Asn612Lys (NM_172105.4); c.1757-42C>A (NM_001301013.2); c.1670-42C>A (NM_172103.4); c.1595-42C>A (NM_001370459.1); c.1674C>A (NM_001301012.1); short protein forms N558K, N589K, N612K.
Identifiers: ClinVar variation 1316631 (VCV001316631.4), dbSNP rs761833510, ClinGen allele CA4008475.

ClinVar aggregate classification (germline): Uncertain significance. Review status: criteria provided, single submitter (1 of 4 stars). 2 submissions from 2 submitters: Uncertain significance (1). 1 of the submissions does not count toward it. Last evaluated 2025-05-06.

Conditions:
EYA4-related disorder. Also called: EYA4-related condition; EYA4-related disorders. Identifiers: MedGen CN239388.

Allele frequency attached by ClinVar (database versions not stated): ExAC 0.00002; gnomAD 0.00004; TOPMed 0.00004.
gnomAD v4.1: 14 of 1,613,424 alleles (0.00087%); highest among the groups gnomAD compares: African/African-American, 0.013%; no homozygotes.

Submissions (2):

GeneDx
Classification: Uncertain significance. Last evaluated: 2025-05-06. Review status: criteria provided, single submitter. Criteria: GeneDx Variant Classification Process June 2021. Collection method: clinical testing. Allele origin: germline. Affected: yes.
Comment: Not observed at significant frequency in large population cohorts (gnomAD); In silico analysis suggests that this missense variant does not alter protein structure/function; Has not been previously published as pathogenic or benign to our knowledge; Reported using an alternate transcript of the gene

PreventionGenetics, part of Exact Sciences
Classification: Uncertain significance for EYA4-related condition. Last evaluated: 2024-03-11. Review status: no assertion criteria provided. Collection method: clinical testing. Allele origin: germline. Not counted in ClinVar's aggregate classification.
Comment: The EYA4 c.1674C>A variant is predicted to result in the amino acid substitution p.Asn558Lys. To our knowledge, this variant has not been reported in the literature. This variant is reported in 0.016% of alleles in individuals of African descent in gnomAD. At this time, the clinical significance of this variant is uncertain due to the absence of conclusive functional and genetic evidence.